The following is an entry in ClinVar:

ClinVar aggregate classification (germline): Uncertain significance (1 of 4 stars; one submission).

Conditions:
Hypertrophic cardiomyopathy. Also called: HYPERTROPHIC MYOCARDIOPATHY. Identifiers: Orphanet 217569, MedGen C0007194, MeSH D002312, MONDO:0005045, HP:0001639.

Submission:

Labcorp Genetics (formerly Invitae), Labcorp
Classification: Uncertain significance for Hypertrophic cardiomyopathy. Last evaluated: 2021-05-31. Review status: criteria provided, single submitter. Criteria: Invitae Variant Classification Sherloc (09022015). Collection method: clinical testing. Allele origin: germline.
Comment: This sequence change replaces aspartic acid with glycine at codon 219 of the TPM1 protein (p.Asp219Gly). The aspartic acid residue is highly conserved and there is a moderate physicochemical difference between aspartic acid and glycine. This variant is not present in population databases (ExAC no frequency). This variant has not been reported in the literature in individuals with TPM1-related conditions. Algorithms developed to predict the effect of missense changes on protein structure and function are either unavailable or do not agree on the potential impact of this missense change (SIFT: "Deleterious"; PolyPhen-2: "Probably Damaging"; Align-GVGD: "Class C0"). In summary, the available evidence is currently insufficient to determine the role of this variant in disease. Therefore, it has been classified as a Variant of Uncertain Significance.

NM_001018005.2(TPM1):c.656A>G (p.Asp219Gly)

Gene: TPM1 (tropomyosin 1; plus strand). Cytogenetic location: 15q22.2.
Variant type: single nucleotide variant.
Coding change: c.656A>G on transcript NM_001018005.2 (MANE Select); coding-DNA position 656, A replaced by G.
Protein change: p.Asp219Gly; replaces aspartic acid 219 with glycine.
Molecular consequence: missense variant.
Genome position (GRCh38, 1-based): chr15:63,062,231, A>G. VCF-style: chr15-63062231-A-G. GRCh37 (hg19) VCF-style: chr15-63354430-A-G.
Other names: c.548A>G, p.Asp183Gly (NM_001018008.2, NM_001301289.2, NM_001330344.2 and 5 more transcripts); c.656A>G, p.Asp219Gly (NM_001018020.2, NM_001301244.2, NM_001365776.1 and 6 more transcripts); c.782A>G, p.Asp261Gly (NM_001365778.1); short protein forms D183G, D261G, D219G.
Identifiers: ClinVar variation 1357934 (VCV001357934.8), dbSNP rs2140969490, ClinGen allele CA392724419.